The following is an entry in ClinVar:

NM_005045.4(RELN):c.7843G>A (p.Asp2615Asn)

Gene: RELN (reelin; minus strand). Cytogenetic location: 7q22.1.
Variant type: single nucleotide variant.
Coding change: c.7843G>A on transcript NM_005045.4 (MANE Select); coding-DNA position 7843, G replaced by A.
Protein change: p.Asp2615Asn; replaces aspartic acid 2615 with asparagine.
Molecular consequence: missense variant.
Genome position (GRCh38, 1-based): chr7:103,519,342, C>T on the plus strand (G>A on the coding strand, the complement: RELN is on the minus strand). VCF-style: chr7-103519342-C-T. GRCh37 (hg19) VCF-style: chr7-103159789-C-T.
Other names: c.7843G>A, p.Asp2615Asn (NM_173054.3); short protein forms D2615N.
Identifiers: ClinVar variation 1425843 (VCV001425843.8), dbSNP rs772130779, ClinGen allele CA4420649.

ClinVar aggregate classification (germline): Uncertain significance (1 of 4 stars; one submission).

Conditions:
Norman-Roberts syndrome (LIS2). Also called: Lissencephaly 2 (Norman-Roberts type). Identifiers: Orphanet 89844, MedGen C0796089, MONDO:0009760, OMIM 257320.
Familial temporal lobe epilepsy 7. Identifiers: Orphanet 101046, MedGen C4225327, MONDO:0014639, OMIM 616436.

Allele frequency attached by ClinVar (database versions not stated): gnomAD exomes below 0.00001; ExAC 0.00001.

Submission:

Labcorp Genetics (formerly Invitae), Labcorp
Classification: Uncertain significance for Familial temporal lobe epilepsy 7; Norman-Roberts syndrome. Last evaluated: 2022-06-27. Review status: criteria provided, single submitter. Criteria: Invitae Variant Classification Sherloc (09022015). Collection method: clinical testing. Allele origin: germline.
Comment: In summary, the available evidence is currently insufficient to determine the role of this variant in disease. Therefore, it has been classified as a Variant of Uncertain Significance. Algorithms developed to predict the effect of missense changes on protein structure and function are either unavailable or do not agree on the potential impact of this missense change (SIFT: "Deleterious"; PolyPhen-2: "Probably Damaging"; Align-GVGD: "Class C0"). This variant has not been reported in the literature in individuals affected with RELN-related conditions. This variant is present in population databases (rs772130779, gnomAD 0.003%). This sequence change replaces aspartic acid, which is acidic and polar, with asparagine, which is neutral and polar, at codon 2615 of the RELN protein (p.Asp2615Asn).